The following is an entry in ClinVar:

NM_000620.5(NOS1):c.2532-2233A>G

Gene: NOS1 (nitric oxide synthase 1; minus strand). Cytogenetic location: 12q24.22.
Variant type: single nucleotide variant.
Coding change: c.2532-2233A>G on transcript NM_000620.5 (MANE Select); 2233 bases into the intron before coding-DNA position 2532, A replaced by G.
Molecular consequence: intron variant. On other transcripts: missense variant (1).
Genome position (GRCh38, 1-based): chr12:117,255,987, T>C on the plus strand (A>G on the coding strand, the complement: NOS1 is on the minus strand). VCF-style: chr12-117255987-T-C. GRCh37 (hg19) VCF-style: chr12-117693792-T-C.
Other names: c.2582A>G, p.Asn861Ser (NM_001204218.2); c.1524-2233A>G (NM_001204214.2, NM_001204213.2); short protein forms N861S.
Identifiers: ClinVar variation 3039557 (VCV003039557.2), dbSNP rs149484022, ClinGen allele CA6814788.

ClinVar aggregate classification (germline): Benign (0 of 4 stars; one submission).

Conditions:
NOS1-related disorder. Also called: NOS1-related condition.

Allele frequency attached by ClinVar (database versions not stated): ExAC 0.00163; ESP Exome Variant Server 0.00541; gnomAD 0.00579; TOPMed 0.00618; 1000 Genomes Project 0.00699; 1000 Genomes Project 30x 0.00718.
gnomAD v4.1: 1,636 of 1,478,752 alleles (0.11%); highest among the groups gnomAD compares: African/African-American, 2%; 12 homozygotes.

Submission:

PreventionGenetics, part of Exact Sciences
Classification: Benign for NOS1-related condition. Last evaluated: 2019-03-28. Review status: no assertion criteria provided. Collection method: clinical testing. Allele origin: germline.
Comment: This variant is classified as benign based on ACMG/AMP sequence variant interpretation guidelines (Richards et al. 2015 PMID: 25741868, with internal and published modifications).